The following is an entry in ClinVar:

NM_022369.4(STRA6):c.1440C>T (p.Ala480=)

Gene: STRA6 (signaling receptor and transporter of retinol STRA6; minus strand). Cytogenetic location: 15q24.1.
Variant type: single nucleotide variant.
Coding change: c.1440C>T on transcript NM_022369.4 (MANE Select); coding-DNA position 1440, C replaced by T.
Protein change: p.Ala480=; no amino-acid change (alanine 480 retained).
Molecular consequence: synonymous variant.
Genome position (GRCh38, 1-based): chr15:74,182,241, G>A on the plus strand (C>T on the coding strand, the complement: STRA6 is on the minus strand). VCF-style: chr15-74182241-G-A. GRCh37 (hg19) VCF-style: chr15-74474582-G-A.
Other names: c.1440C>T, p.Ala480= (NM_001142617.2, NM_001142618.2); c.1413C>T, p.Ala471= (NM_001142619.2); c.1551C>T, p.Ala517= (NM_001199040.2); c.1485C>T, p.Ala495= (NM_001199041.2); c.1557C>T, p.Ala519= (NM_001199042.2).
Identifiers: ClinVar variation 3050350 (VCV003050350.2), dbSNP rs143350697, ClinGen allele CA7654557.

ClinVar aggregate classification (germline): Likely benign (0 of 4 stars; one submission).

Conditions:
STRA6-related disorder. Also called: STRA6-related condition.

Allele frequency attached by ClinVar (database versions not stated): ExAC 0.00002; ESP Exome Variant Server 0.00008; TOPMed 0.00009.
gnomAD v4.1: 51 of 1,614,034 alleles (0.0032%); highest among the groups gnomAD compares: African/African-American, 0.039%; no homozygotes.

Submission:

PreventionGenetics, part of Exact Sciences
Classification: Likely benign for STRA6-related condition. Last evaluated: 2019-07-12. Review status: no assertion criteria provided. Collection method: clinical testing. Allele origin: germline.
Comment: This variant is classified as likely benign based on ACMG/AMP sequence variant interpretation guidelines (Richards et al. 2015 PMID: 25741868, with internal and published modifications).